The following is an entry in ClinVar:

ClinVar aggregate classification (germline): Pathogenic (1 of 4 stars; one submission).

Submission:

GeneDx
Classification: Pathogenic. Last evaluated: 2016-08-08. Review status: criteria provided, single submitter. Criteria: GeneDx Variant Classification (06012015). Collection method: clinical testing. Allele origin: germline. Affected: yes.
Comment: The c.966-2 A>G splice site variant in the SCN9A gene has been previously reported as a de novo pathogenic variant in a patient with congenital insensitivity to pain who also had a nonsense variant in the SCN9A gene (Klein et al., 2013). It was not observed in approximately 6,100 individuals of European and African American ancestry in the NHLBI Exome Sequencing Project, indicating it is not a common benign variant in these populations. This pathogenic variant destroys the natural splice acceptor site in intron 8, and is expected to cause abnormal gene splicing.

NM_001365536.1(SCN9A):c.966-2A>G

Genes: SCN1A-AS1 (SCN1A and SCN9A antisense RNA 1; plus strand), SCN9A (sodium voltage-gated channel alpha subunit 9; minus strand). Cytogenetic location: 2q24.3.
Variant type: single nucleotide variant.
Coding change: c.966-2A>G on transcript NM_001365536.1 (MANE Select); the canonical splice acceptor site of the intron before coding-DNA position 966, A replaced by G.
Molecular consequence: splice acceptor variant.
Genome position (GRCh38, 1-based): chr2:166,293,374, T>C on the plus strand (A>G on the coding strand, the complement: SCN9A is on the minus strand). VCF-style: chr2-166293374-T-C. GRCh37 (hg19) VCF-style: chr2-167149884-T-C.
Other names: c.966-2A>G (NM_002977.4).
Identifiers: ClinVar variation 449384 (VCV000449384.2), dbSNP rs1553492481, ClinGen allele CA349089454.